The following is an entry in ClinVar:

NM_018082.6(POLR3B):c.759G>T (p.Gln253His)

Gene: POLR3B (RNA polymerase III subunit B; plus strand). Cytogenetic location: 12q23.3.
Variant type: single nucleotide variant.
Coding change: c.759G>T on transcript NM_018082.6 (MANE Select); coding-DNA position 759, G replaced by T.
Protein change: p.Gln253His; replaces glutamine 253 with histidine.
Molecular consequence: missense variant.
Genome position (GRCh38, 1-based): chr12:106,393,066, G>T. VCF-style: chr12-106393066-G-T. GRCh37 (hg19) VCF-style: chr12-106786844-G-T.
Other names: c.585G>T, p.Gln195His (NM_001160708.2); short protein forms Q195H, Q253H.
Identifiers: ClinVar variation 3613262 (VCV003613262.2).

ClinVar aggregate classification (germline): Uncertain significance (1 of 4 stars; one submission).

gnomAD v4.1: 1 of 1,614,200 alleles (0.000062%); highest among the groups gnomAD compares: Non-Finnish European, 0.000085%; no homozygotes.

Submission:

Labcorp Genetics (formerly Invitae), Labcorp
Classification: Uncertain significance. Last evaluated: 2025-06-04. Review status: criteria provided, single submitter. Criteria: Invitae Variant Classification Sherloc (09022015). Collection method: clinical testing. Allele origin: germline.
Comment: This sequence change replaces glutamine, which is neutral and polar, with histidine, which is basic and polar, at codon 253 of the POLR3B protein (p.Gln253His). This variant is not present in population databases (gnomAD no frequency). This variant has not been reported in the literature in individuals affected with POLR3B-related conditions. ClinVar contains an entry for this variant (Variation ID: 3613262). Invitae Evidence Modeling of protein sequence and biophysical properties (such as structural, functional, and spatial information, amino acid conservation, physicochemical variation, residue mobility, and thermodynamic stability) indicates that this missense variant is not expected to disrupt POLR3B protein function with a negative predictive value of 80%. In summary, the available evidence is currently insufficient to determine the role of this variant in disease. Therefore, it has been classified as a Variant of Uncertain Significance.